The following is an entry in ClinVar:

NM_182914.3(SYNE2):c.3400A>G (p.Lys1134Glu)

Gene: SYNE2 (spectrin repeat containing nuclear envelope protein 2; plus strand). Cytogenetic location: 14q23.2.
Variant type: single nucleotide variant.
Coding change: c.3400A>G on transcript NM_182914.3 (MANE Select); coding-DNA position 3400, A replaced by G.
Protein change: p.Lys1134Glu; replaces lysine 1134 with glutamic acid.
Molecular consequence: missense variant.
Genome position (GRCh38, 1-based): chr14:63,998,960, A>G. VCF-style: chr14-63998960-A-G. GRCh37 (hg19) VCF-style: chr14-64465678-A-G.
Other names: c.3400A>G, p.Lys1134Glu (NM_015180.6); short protein forms K1134E.
Identifiers: ClinVar variation 4804591 (VCV004804591.1).

ClinVar aggregate classification (germline): Uncertain significance (1 of 4 stars; one submission).

Conditions:
Emery-Dreifuss muscular dystrophy 5, autosomal dominant (EDMD5). Also called: EMERY-DREIFUSS MUSCULAR DYSTROPHY 5. Identifiers: Orphanet 261, MedGen C2751805, MONDO:0013072, OMIM 612999.

gnomAD v4.1: 2 of 1,614,142 alleles (0.00012%); highest among the groups gnomAD compares: South Asian, 0.0022%; no homozygotes.

Submission:

Labcorp Genetics (formerly Invitae), Labcorp
Classification: Uncertain significance for Emery-Dreifuss muscular dystrophy 5, autosomal dominant. Last evaluated: 2025-03-13. Review status: criteria provided, single submitter. Criteria: Invitae Variant Classification Sherloc (09022015). Collection method: clinical testing. Allele origin: germline.
Comment: This sequence change replaces lysine, which is basic and polar, with glutamic acid, which is acidic and polar, at codon 1134 of the SYNE2 protein (p.Lys1134Glu). This variant is not present in population databases (gnomAD no frequency). This variant has not been reported in the literature in individuals affected with SYNE2-related conditions. An algorithm developed to predict the effect of missense changes on protein structure and function outputs the following: PolyPhen-2: "Benign". The glutamic acid amino acid residue is found in multiple mammalian species, which suggests that this missense change does not adversely affect protein function. In summary, the available evidence is currently insufficient to determine the role of this variant in disease. Therefore, it has been classified as a Variant of Uncertain Significance.